The following is an entry in ClinVar:

NM_002432.3(MNDA):c.761T>C (p.Ile254Thr)

Gene: MNDA (myeloid cell nuclear differentiation antigen; plus strand). Cytogenetic location: 1q23.1.
Variant type: single nucleotide variant.
Coding change: c.761T>C on transcript NM_002432.3 (MANE Select); coding-DNA position 761, T replaced by C.
Protein change: p.Ile254Thr; replaces isoleucine 254 with threonine.
Molecular consequence: missense variant.
Genome position (GRCh38, 1-based): chr1:158,845,777, T>C. VCF-style: chr1-158845777-T-C. GRCh37 (hg19) VCF-style: chr1-158815567-T-C.
Other names: short protein forms I254T.
Identifiers: ClinVar variation 1759842 (VCV001759842.2), dbSNP rs536275913, ClinGen allele CA343041547.

ClinVar aggregate classification (germline): Uncertain significance (1 of 4 stars; one submission).

Submission:

Ambry Genetics
Classification: Uncertain significance. Last evaluated: 2022-09-20. Review status: criteria provided, single submitter. Criteria: Ambry Variant Classification Scheme 2023. Collection method: clinical testing. Allele origin: germline.
Comment: The p.I254T variant (also known as c.761T>C), located in coding exon 4 of the MNDA gene, results from a T to C substitution at nucleotide position 761. The isoleucine at codon 254 is replaced by threonine, an amino acid with similar properties. This amino acid position is conserved. In addition, this alteration is predicted to be tolerated by in silico analysis. Since supporting evidence is limited at this time, the clinical significance of this alteration remains unclear.